The following is an entry in ClinVar:

NM_003292.3(TPR):c.3797C>G (p.Thr1266Ser)

Gene: TPR (translocated promoter region, nuclear basket protein; minus strand). Cytogenetic location: 1q31.1.
Variant type: single nucleotide variant.
Coding change: c.3797C>G on transcript NM_003292.3 (MANE Select); coding-DNA position 3797, C replaced by G.
Protein change: p.Thr1266Ser; replaces threonine 1266 with serine.
Molecular consequence: missense variant.
Genome position (GRCh38, 1-based): chr1:186,341,343, G>C on the plus strand (C>G on the coding strand, the complement: TPR is on the minus strand). VCF-style: chr1-186341343-G-C. GRCh37 (hg19) VCF-style: chr1-186310475-G-C.
Other names: short protein forms T1266S.
Identifiers: ClinVar variation 4885216 (VCV004885216.2).
Genomic context (GRCh38, chr1:186,341,343, plus strand): 5'-AGTCTCTCCTTCTCTTCTCTTAGCATTTTATTGGTCTCCATAACTACATTCATTGTTTCA[G>C]TTTTCTTCATCAGTTCTTCATGCTGAGCCATTGTTTTTGCAGTTACCTAAACATTTCAAA-3'
Protein context (NP_003283.2, residues 1256-1276): MAQHEELMKK[Thr1266Ser]ETMNVVMETN

ClinVar aggregate classification (germline): Uncertain significance (1 of 4 stars; one submission).

gnomAD v4.1: 4 of 1,613,620 alleles (0.00025%); highest among the groups gnomAD compares: Non-Finnish European, 0.00025%; no homozygotes.

Submission:

Dasa
Classification: Uncertain significance. Last evaluated: 2025-09-17. Review status: criteria provided, single submitter. Criteria: DASA Assertion Criteria. Collection method: clinical testing. Allele origin: germline.
Comment: NM_003292.3(TPR):c.3797C>G (p.Thr1266Ser) is a missense variant that results in the substitution of threonine with serine. This variant has been observed in affected individuals with TPR-related disorders. Also, this variant is rare in population databases. Computational prediction algorithms are consistent with a benign effect. The currently available literature and clinical evidence are not sufficient to establish a definitive association between this variant and the reported condition. Therefore, this variant is classified as a variant of uncertain significance.